The following is an entry in ClinVar:

NM_000222.3(KIT):c.2485-7A>G

Gene: KIT (KIT proto-oncogene, receptor tyrosine kinase; plus strand). Cytogenetic location: 4q12.
Variant type: single nucleotide variant.
Coding change: c.2485-7A>G on transcript NM_000222.3 (MANE Select); 7 bases into the intron before coding-DNA position 2485, A replaced by G.
Molecular consequence: intron variant.
Genome position (GRCh38, 1-based): chr4:54,736,491, A>G. VCF-style: chr4-54736491-A-G. GRCh37 (hg19) VCF-style: chr4-55602657-A-G.
Other names: c.2488-7A>G (NM_001385284.1); c.2485-7A>G (NM_001385290.1); c.2476-7A>G (NM_001385288.1); c.2473-7A>G (NM_001385292.1, NM_001093772.2); c.2482-7A>G (NM_001385285.1); c.2470-7A>G (NM_001385286.1).
Identifiers: ClinVar variation 753001 (VCV000753001.12), dbSNP rs1458333182, ClinGen allele CA551370140.

ClinVar aggregate classification (germline): Likely benign. Review status: criteria provided, multiple submitters, no conflicts (2 of 4 stars). 2 submissions from 2 submitters: Likely benign (2). Last evaluated 2026-06-01.

Conditions:
Gastrointestinal stromal tumor. Also called: Gastrointestinal stromal tumor, somatic; Gastrointestinal stroma tumor. Identifiers: Orphanet 44890, MedGen C0238198, MeSH D046152, MONDO:0011719, OMIM 606764, HP:0100723.

Allele frequency attached by ClinVar (database versions not stated): gnomAD exomes below 0.00001 and 0.00002; gnomAD 0.00001; TOPMed 0.00001.
gnomAD v4.1: 25 of 1,593,910 alleles (0.0016%); highest among the groups gnomAD compares: East Asian, 0.0022%; no homozygotes.

Submissions (2):

Myriad Genetics, Inc.
Classification: Likely benign for Gastrointestinal stromal tumor. Last evaluated: 2026-06-01. Review status: criteria provided, single submitter. Criteria: Myriad Autosomal Dominant, Autosomal Recessive and X-Linked Classification Criteria (2023). Collection method: clinical testing. Allele origin: unknown.
Comment: This variant is considered likely benign. This variant is intronic and is not expected to impact mRNA splicing.

Labcorp Genetics (formerly Invitae), Labcorp
Classification: Likely benign for Gastrointestinal stromal tumor. Last evaluated: 2025-07-23. Review status: criteria provided, single submitter. Criteria: Invitae Variant Classification Sherloc (09022015). Collection method: clinical testing. Allele origin: germline.